The following is an entry in ClinVar:

NM_139276.3(STAT3):c.92G>A (p.Arg31Gln)

Gene: STAT3 (signal transducer and activator of transcription 3; minus strand). Cytogenetic location: 17q21.2.
Variant type: single nucleotide variant.
Coding change: c.92G>A on transcript NM_139276.3 (MANE Select); coding-DNA position 92, G replaced by A.
Protein change: p.Arg31Gln; replaces arginine 31 with glutamine.
Molecular consequence: missense variant.
Genome position (GRCh38, 1-based): chr17:42,348,425, C>T on the plus strand (G>A on the coding strand, the complement: STAT3 is on the minus strand). VCF-style: chr17-42348425-C-T. GRCh37 (hg19) VCF-style: chr17-40500443-C-T.
Other names: c.92G>A, p.Arg31Gln (NM_001369512.1, NM_001369513.1, NM_001369514.1 and 17 more transcripts); short protein forms R31Q.
Identifiers: ClinVar variation 2951052 (VCV002951052.3), dbSNP rs2509544144, ClinGen allele CA399597686.

ClinVar aggregate classification (germline): Uncertain significance (1 of 4 stars; one submission).

Conditions:
STAT3 gain of function. Identifiers: MedGen C4288261.
Hyper-IgE recurrent infection syndrome 1, autosomal dominant. Also called: STAT3 Hyper IgE Syndrome; Hyper-IgE recurrent infection syndrome 1; JOB SYNDROME; HYPER-IgE SYNDROME 1, AUTOSOMAL DOMINANT, WITH RECURRENT INFECTIONS; Job's Syndrome. Identifiers: Orphanet 2314, MedGen C2936739, MONDO:0007818, OMIM 147060.

Allele frequency attached by ClinVar (database versions not stated): gnomAD exomes below 0.00001.
gnomAD v4.1: 1 of 1,614,068 alleles (0.000062%); highest among the groups gnomAD compares: Non-Finnish European, 0.000085%; no homozygotes.

Submission:

Labcorp Genetics (formerly Invitae), Labcorp
Classification: Uncertain significance for STAT3 gain of function; Hyper-IgE recurrent infection syndrome 1, autosomal dominant. Last evaluated: 2023-08-17. Review status: criteria provided, single submitter. Criteria: Invitae Variant Classification Sherloc (09022015). Collection method: clinical testing. Allele origin: germline.
Comment: This sequence change replaces arginine, which is basic and polar, with glutamine, which is neutral and polar, at codon 31 of the STAT3 protein (p.Arg31Gln). This variant is not present in population databases (gnomAD no frequency). This variant has not been reported in the literature in individuals affected with STAT3-related conditions. Advanced modeling of protein sequence and biophysical properties (such as structural, functional, and spatial information, amino acid conservation, physicochemical variation, residue mobility, and thermodynamic stability) performed at Invitae indicates that this missense variant is expected to disrupt STAT3 protein function. In summary, the available evidence is currently insufficient to determine the role of this variant in disease. Therefore, it has been classified as a Variant of Uncertain Significance.